The following is an entry in ClinVar:

NM_004380.3(CREBBP):c.5996G>C (p.Ser1999Thr)

Gene: CREBBP (CREB binding lysine acetyltransferase; minus strand). Cytogenetic location: 16p13.3.
Variant type: single nucleotide variant.
Coding change: c.5996G>C on transcript NM_004380.3 (MANE Select); coding-DNA position 5996, G replaced by C.
Protein change: p.Ser1999Thr; replaces serine 1999 with threonine.
Molecular consequence: missense variant.
Genome position (GRCh38, 1-based): chr16:3,729,051, C>G on the plus strand (G>C on the coding strand, the complement: CREBBP is on the minus strand). VCF-style: chr16-3729051-C-G. GRCh37 (hg19) VCF-style: chr16-3779052-C-G.
Other names: c.5882G>C, p.Ser1961Thr (NM_001079846.1); short protein forms S1961T, S1999T.
Identifiers: ClinVar variation 1701276 (VCV001701276.31), dbSNP rs2051834458, ClinGen allele CA394554678.

ClinVar aggregate classification (germline): Uncertain significance (1 of 4 stars; one submission).

Allele frequency attached by ClinVar (database versions not stated): gnomAD exomes below 0.00001; TOPMed below 0.00001.

Submission:

CeGaT Center for Human Genetics Tuebingen
Classification: Uncertain significance. Last evaluated: 2022-07-01. Review status: criteria provided, single submitter. Criteria: CeGaT Center For Human Genetics Tuebingen Variant Classification Criteria Version 2. Collection method: clinical testing. Allele origin: germline. Affected: yes. Observed: 1 variant allele.
Comment: CREBBP: PM2, PP2, BP4